The following is an entry in ClinVar:

ClinVar aggregate classification (germline): Uncertain significance. Review status: criteria provided, multiple submitters, no conflicts (2 of 4 stars). 2 submissions from 2 submitters: Uncertain significance (2). Last evaluated 2025-03-17.

Conditions:
Inborn genetic diseases. Identifiers: MedGen C0950123, MeSH D030342.

Allele frequency attached by ClinVar (database versions not stated): gnomAD exomes 0.00001.
gnomAD v4.1: 24 of 1,613,982 alleles (0.0015%); highest among the groups gnomAD compares: African/African-American, 0.024%; no homozygotes.

Submissions (2):

Ambry Genetics
Classification: Uncertain significance for Inborn genetic diseases. Last evaluated: 2025-03-17. Review status: criteria provided, single submitter. Criteria: Ambry Variant Classification Scheme 2023. Collection method: clinical testing. Allele origin: germline.

Labcorp Genetics (formerly Invitae), Labcorp
Classification: Uncertain significance. Last evaluated: 2022-10-18. Review status: criteria provided, single submitter. Criteria: Invitae Variant Classification Sherloc (09022015). Collection method: clinical testing. Allele origin: germline.
Comment: This sequence change replaces valine, which is neutral and non-polar, with isoleucine, which is neutral and non-polar, at codon 2872 of the PCLO protein (p.Val2872Ile). This variant is present in population databases (rs201937496, gnomAD 0.02%). This variant has not been reported in the literature in individuals affected with PCLO-related conditions. ClinVar contains an entry for this variant (Variation ID: 1356680). Algorithms developed to predict the effect of missense changes on protein structure and function output the following: SIFT: "Tolerated"; PolyPhen-2: "Not Available"; Align-GVGD: "Class C0". The isoleucine amino acid residue is found in multiple mammalian species, which suggests that this missense change does not adversely affect protein function. In summary, the available evidence is currently insufficient to determine the role of this variant in disease. Therefore, it has been classified as a Variant of Uncertain Significance.

NM_033026.6(PCLO):c.8614G>A (p.Val2872Ile)

Gene: PCLO (piccolo presynaptic cytomatrix protein; minus strand). Cytogenetic location: 7q21.11.
Variant type: single nucleotide variant.
Coding change: c.8614G>A on transcript NM_033026.6 (MANE Select); coding-DNA position 8614, G replaced by A.
Protein change: p.Val2872Ile; replaces valine 2872 with isoleucine.
Molecular consequence: missense variant.
Genome position (GRCh38, 1-based): chr7:82,952,339, C>T on the plus strand (G>A on the coding strand, the complement: PCLO is on the minus strand). VCF-style: chr7-82952339-C-T. GRCh37 (hg19) VCF-style: chr7-82581655-C-T.
Other names: c.8614G>A, p.Val2872Ile (NM_014510.3); c.8614G>A (NM_033026.5); short protein forms V2872I.
Identifiers: ClinVar variation 1356680 (VCV001356680.4), dbSNP rs201937496, ClinGen allele CA161145152.
Genomic context (GRCh38, chr7:82,952,339, plus strand): 5'-TTCCCTGGGATACGGTGCTATCAGTCCATCCATTTGTGACACCAACAGGAGGCACAGTGA[C>T]AGGTTTTGTAATAGCCAATGTCACTGCATGTGCTGGAGTACCTAGAGATAAGTTTATTGG-3'
Protein context (NP_149015.2, residues 2862-2882): HAVTLAITKP[Val2872Ile]TVPPVGVTNG